The following is an entry in ClinVar:

NM_024642.5(GALNT12):c.44G>C (p.Arg15Pro)

Genes: GALNT12 (polypeptide N-acetylgalactosaminyltransferase 12; plus strand), LOC130002222 (ATAC-STARR-seq lymphoblastoid silent region 20123; plus strand). Cytogenetic location: 9q22.33.
Variant type: single nucleotide variant.
Coding change: c.44G>C on transcript NM_024642.5 (MANE Select); coding-DNA position 44, G replaced by C.
Protein change: p.Arg15Pro; replaces arginine 15 with proline.
Molecular consequence: missense variant.
Genome position (GRCh38, 1-based): chr9:98,807,742, G>C. VCF-style: chr9-98807742-G-C. GRCh37 (hg19) VCF-style: chr9-101570024-G-C.
Other names: short protein forms R15P.
Identifiers: ClinVar variation 1741041 (VCV001741041.2), dbSNP rs1835405723, ClinGen allele CA374222106.

ClinVar aggregate classification (germline): Uncertain significance (1 of 4 stars; one submission).

Allele frequency attached by ClinVar (database versions not stated): gnomAD exomes below 0.00001; gnomAD 0.00001.
gnomAD v4.1: 2 of 1,188,512 alleles (0.00017%); highest among the groups gnomAD compares: Non-Finnish European, 0.00021%; no homozygotes.

Submission:

Ambry Genetics
Classification: Uncertain significance. Last evaluated: 2022-02-23. Review status: criteria provided, single submitter. Criteria: Ambry Variant Classification Scheme 2023. Collection method: clinical testing. Allele origin: germline.
Comment: The p.R15P variant (also known as c.44G>C), located in coding exon 1 of the GALNT12 gene, results from a G to C substitution at nucleotide position 44. The arginine at codon 15 is replaced by proline, an amino acid with dissimilar properties. This amino acid position is conserved. In addition, this alteration is predicted to be tolerated by in silico analysis. Since supporting evidence is limited at this time, the clinical significance of this alteration remains unclear.